The following is an entry in ClinVar:

NM_006270.5(RRAS):c.131C>T (p.Ala44Val)

Gene: RRAS (RAS related; minus strand). Cytogenetic location: 19q13.33.
Variant type: single nucleotide variant.
Coding change: c.131C>T on transcript NM_006270.5 (MANE Select); coding-DNA position 131, C replaced by T.
Protein change: p.Ala44Val; replaces alanine 44 with valine.
Molecular consequence: missense variant.
Genome position (GRCh38, 1-based): chr19:49,639,968, G>A on the plus strand (C>T on the coding strand, the complement: RRAS is on the minus strand). VCF-style: chr19-49639968-G-A. GRCh37 (hg19) VCF-style: chr19-50143225-G-A.
Other names: short protein forms A44V.
Identifiers: ClinVar variation 3790635 (VCV003790635.1).

ClinVar aggregate classification (germline): Uncertain significance (1 of 4 stars; one submission).

Submission:

Ambry Genetics
Classification: Uncertain significance. Last evaluated: 2024-12-13. Review status: criteria provided, single submitter. Criteria: Ambry Variant Classification Scheme 2023. Collection method: clinical testing. Allele origin: germline.
Comment: The p.A44V variant (also known as c.131C>T), located in coding exon 1 of the RRAS gene, results from a C to T substitution at nucleotide position 131. The alanine at codon 44 is replaced by valine, an amino acid with similar properties. This amino acid position is conserved. In addition, this alteration is predicted to be deleterious by in silico analysis. Based on the available evidence, the clinical significance of this variant remains unclear.